The following is an entry in ClinVar:

NM_000136.3(FANCC):c.949G>A (p.Val317Met)

Genes: AOPEP (aminopeptidase O (putative); plus strand), FANCC (FA complementation group C; minus strand). Cytogenetic location: 9q22.32.
Variant type: single nucleotide variant.
Coding change: c.949G>A on transcript NM_000136.3 (MANE Select); coding-DNA position 949, G replaced by A.
Protein change: p.Val317Met; replaces valine 317 with methionine.
Molecular consequence: missense variant.
Genome position (GRCh38, 1-based): chr9:95,125,133, C>T on the plus strand (G>A on the coding strand, the complement: FANCC is on the minus strand). VCF-style: chr9-95125133-C-T. GRCh37 (hg19) VCF-style: chr9-97887415-C-T.
Other names: c.949G>A, p.Val317Met (NM_001243743.2, NM_001243744.2); short protein forms V317M.
Identifiers: ClinVar variation 823285 (VCV000823285.5), dbSNP rs768621846, ClinGen allele CA5137576.

ClinVar aggregate classification (germline): Uncertain significance (1 of 4 stars; one submission).

Conditions:
Hereditary cancer-predisposing syndrome. Also called: Tumor predisposition; Hereditary Cancer Syndrome; Neoplastic Syndromes, Hereditary; Hereditary neoplastic syndrome. Identifiers: Orphanet 140162, MedGen C0027672, MeSH D009386, MONDO:0015356.

Allele frequency attached by ClinVar (database versions not stated): ExAC 0.00001.

Submission:

Ambry Genetics
Classification: Uncertain significance for Hereditary cancer-predisposing syndrome. Last evaluated: 2023-05-28. Review status: criteria provided, single submitter. Criteria: Ambry Variant Classification Scheme 2023. Collection method: clinical testing. Allele origin: germline.
Comment: The p.V317M variant (also known as c.949G>A), located in coding exon 9 of the FANCC gene, results from a G to A substitution at nucleotide position 949. The valine at codon 317 is replaced by methionine, an amino acid with highly similar properties. This amino acid position is well conserved in available vertebrate species. In addition, the in silico prediction for this alteration is inconclusive. Since supporting evidence is limited at this time, the clinical significance of this alteration remains unclear.